The following is an entry in ClinVar:

ClinVar aggregate classification (germline): Uncertain significance (1 of 4 stars; one submission).

Allele frequency attached by ClinVar (database versions not stated): gnomAD exomes below 0.00001.
gnomAD v4.1: 1 of 1,614,100 alleles (0.000062%); highest among the groups gnomAD compares: Non-Finnish European, 0.000085%; no homozygotes.

Submission:

Labcorp Genetics (formerly Invitae), Labcorp
Classification: Uncertain significance. Last evaluated: 2022-10-16. Review status: criteria provided, single submitter. Criteria: Invitae Variant Classification Sherloc (09022015). Collection method: clinical testing. Allele origin: germline.
Comment: This variant is not present in population databases (gnomAD no frequency). This sequence change replaces alanine, which is neutral and non-polar, with threonine, which is neutral and polar, at codon 473 of the CTNNA1 protein (p.Ala473Thr). This variant has not been reported in the literature in individuals affected with CTNNA1-related conditions. In summary, the available evidence is currently insufficient to determine the role of this variant in disease. Therefore, it has been classified as a Variant of Uncertain Significance. Advanced modeling of protein sequence and biophysical properties (such as structural, functional, and spatial information, amino acid conservation, physicochemical variation, residue mobility, and thermodynamic stability) performed at Invitae indicates that this missense variant is not expected to disrupt CTNNA1 protein function.

NM_001903.5(CTNNA1):c.1417G>A (p.Ala473Thr)

Gene: CTNNA1 (catenin alpha 1; plus strand). Cytogenetic location: 5q31.2.
Variant type: single nucleotide variant.
Coding change: c.1417G>A on transcript NM_001903.5 (MANE Select); coding-DNA position 1417, G replaced by A.
Protein change: p.Ala473Thr; replaces alanine 473 with threonine.
Molecular consequence: missense variant. On other transcripts: 5 prime UTR variant (5).
Genome position (GRCh38, 1-based): chr5:138,917,769, G>A. VCF-style: chr5-138917769-G-A. GRCh37 (hg19) VCF-style: chr5-138253458-G-A.
Other names: c.1417G>A, p.Ala473Thr (NM_001290307.3, NM_001323982.2, NM_001323983.1 and 2 more transcripts); c.1108G>A, p.Ala370Thr (NM_001290309.3); c.1048G>A, p.Ala350Thr (NM_001290310.3); c.307G>A, p.Ala103Thr (NM_001290312.1, NM_001323987.1, NM_001323998.1 and 17 more transcripts); c.1324G>A, p.Ala442Thr (NM_001323986.2); c.-33G>A (NM_001324006.1, NM_001324007.1, NM_001324008.1 and 2 more transcripts); c.214G>A, p.Ala72Thr (NM_001324011.1); c.64G>A, p.Ala22Thr (NM_001324012.1, NM_001324013.1); short protein forms A22T, A370T, A350T, A473T, A103T, A442T, A72T.
Identifiers: ClinVar variation 2053860 (VCV002053860.4), dbSNP rs2150233865, ClinGen allele CA361137120.